The following is an entry in ClinVar:

ClinVar aggregate classification (germline): Likely benign. Review status: criteria provided, multiple submitters, no conflicts (2 of 4 stars). 2 submissions from 2 submitters: Likely benign (2). Last evaluated 2025-07-10.

Conditions:
Colorectal cancer, susceptibility to, 12 (CRCS12). Also called: COLORECTAL CANCER, SUSCEPTIBILITY TO, ON CHROMOSOME 12q24. Identifiers: Orphanet 220460, MedGen C3554460, MONDO:0014038, OMIM 615083.

Submissions (2):

Labcorp Genetics (formerly Invitae), Labcorp
Classification: Likely benign. Last evaluated: 2025-07-10. Review status: criteria provided, single submitter. Criteria: Invitae Variant Classification Sherloc (09022015). Collection method: clinical testing. Allele origin: germline.

Myriad Genetics, Inc.
Classification: Likely benign for Colorectal cancer, susceptibility to, 12. Last evaluated: 2025-02-10. Review status: criteria provided, single submitter. Criteria: Myriad Autosomal Dominant, Autosomal Recessive and X-Linked Classification Criteria (2023). Collection method: clinical testing. Allele origin: unknown.
Comment: This variant is considered likely benign. This variant is intronic and is not expected to impact mRNA splicing.

NM_006231.4(POLE):c.1107-8C>T

Gene: POLE (DNA polymerase epsilon, catalytic subunit; minus strand). Cytogenetic location: 12q24.33.
Variant type: single nucleotide variant.
Coding change: c.1107-8C>T on transcript NM_006231.4 (MANE Select); 8 bases into the intron before coding-DNA position 1107, C replaced by T.
Molecular consequence: intron variant.
Genome position (GRCh38, 1-based): chr12:132,675,525, G>A on the plus strand (C>T on the coding strand, the complement: POLE is on the minus strand). VCF-style: chr12-132675525-G-A. GRCh37 (hg19) VCF-style: chr12-133252111-G-A.
Identifiers: ClinVar variation 1089814 (VCV001089814.10), dbSNP rs2136009648, ClinGen allele CA2499221550.
Genomic context (GRCh38, chr12:132,675,525, plus strand): 5'-TCTCCTGCTGCATGCTCAGACCGTGGACTGCTGCCCGGGCCTCCACAAATGGCCTGGGTT[G>A]GAAAGAGGACAGACAAGCAAGTGGGCAGGTCAGGCTCTAATGCCCCTTTCTCCATTCCTC-3'